The following is an entry in ClinVar:

NM_001353108.3(CEP63):c.1897A>G (p.Asn633Asp)

Gene: CEP63 (centrosomal protein 63; plus strand). Cytogenetic location: 3q22.2.
Variant type: single nucleotide variant.
Coding change: c.1897A>G on transcript NM_001353108.3 (MANE Select); coding-DNA position 1897, A replaced by G.
Protein change: p.Asn633Asp; replaces asparagine 633 with aspartic acid.
Molecular consequence: missense variant. On other transcripts: non-coding transcript variant (1), intron variant (17).
Genome position (GRCh38, 1-based): chr3:134,559,373, A>G. VCF-style: chr3-134559373-A-G. GRCh37 (hg19) VCF-style: chr3-134278215-A-G.
Other names: c.1759A>G, p.Asn587Asp (NM_001353109.1); c.1897A>G, p.Asn633Asp (NM_025180.5); c.1467+7361A>G (NM_001353113.1, NM_001353117.2); c.1329+7361A>G (NM_001042384.2, NM_001353124.2, NM_001353123.2); c.1330-2004A>G (NM_001353122.1, NM_001042383.2, NM_001353121.2 and 2 more transcripts); c.1468-2004A>G (NM_001353110.1, NM_001353112.2, NM_001353111.2 and 1 more transcripts); c.1357-2004A>G (NM_001353118.1); c.967-2004A>G (NM_001353126.2); and 2 more; short protein forms N587D, N633D.
Identifiers: ClinVar variation 1401230 (VCV001401230.6), dbSNP rs768836470, ClinGen allele CA2628811.

ClinVar aggregate classification (germline): Uncertain significance. Review status: criteria provided, multiple submitters, no conflicts (2 of 4 stars). 2 submissions from 2 submitters: Uncertain significance (2). Last evaluated 2025-08-21.

Conditions:
Inborn genetic diseases. Identifiers: MedGen C0950123, MeSH D030342.

Allele frequency attached by ClinVar (database versions not stated): gnomAD exomes 0.00002 and 0.00010; gnomAD 0.00003 and 0.00004; TOPMed 0.00009; ExAC 0.00013.
gnomAD v4.1: 39 of 1,613,940 alleles (0.0024%); highest among the groups gnomAD compares: Admixed American, 0.053%; 1 homozygote.

Submissions (2):

Ambry Genetics
Classification: Uncertain significance for Inborn genetic diseases. Last evaluated: 2025-08-21. Review status: criteria provided, single submitter. Criteria: Ambry Variant Classification Scheme 2023. Collection method: clinical testing. Allele origin: germline.

Labcorp Genetics (formerly Invitae), Labcorp
Classification: Uncertain significance. Last evaluated: 2022-08-16. Review status: criteria provided, single submitter. Criteria: Invitae Variant Classification Sherloc (09022015). Collection method: clinical testing. Allele origin: germline.
Comment: This sequence change replaces asparagine, which is neutral and polar, with aspartic acid, which is acidic and polar, at codon 633 of the CEP63 protein (p.Asn633Asp). This variant is present in population databases (rs768836470, gnomAD 0.06%). This variant has not been reported in the literature in individuals affected with CEP63-related conditions. ClinVar contains an entry for this variant (Variation ID: 1401230). Algorithms developed to predict the effect of missense changes on protein structure and function (SIFT, PolyPhen-2, Align-GVGD) all suggest that this variant is likely to be tolerated. In summary, the available evidence is currently insufficient to determine the role of this variant in disease. Therefore, it has been classified as a Variant of Uncertain Significance.